The following is an entry in ClinVar:

NM_001378452.1(ITPR1):c.2543T>C (p.Val848Ala)

Gene: ITPR1 (inositol 1,4,5-trisphosphate receptor type 1; plus strand). Cytogenetic location: 3p26.1.
Variant type: single nucleotide variant.
Coding change: c.2543T>C on transcript NM_001378452.1 (MANE Select); coding-DNA position 2543, T replaced by C.
Protein change: p.Val848Ala; replaces valine 848 with alanine.
Molecular consequence: missense variant.
Genome position (GRCh38, 1-based): chr3:4,674,288, T>C. VCF-style: chr3-4674288-T-C. GRCh37 (hg19) VCF-style: chr3-4715972-T-C.
Other names: c.2543T>C, p.Val848Ala (NM_001099952.4); c.2498T>C, p.Val833Ala (NM_001168272.2, NM_002222.7); short protein forms V848A, V833A.
Identifiers: ClinVar variation 3005987 (VCV003005987.3), dbSNP rs757368201, ClinGen allele CA2231441.

ClinVar aggregate classification (germline): Uncertain significance (1 of 4 stars; one submission).

Allele frequency attached by ClinVar (database versions not stated): TOPMed below 0.00001; gnomAD 0.00001; ExAC 0.00002.

Submission:

Labcorp Genetics (formerly Invitae), Labcorp
Classification: Uncertain significance. Last evaluated: 2024-01-22. Review status: criteria provided, single submitter. Criteria: Invitae Variant Classification Sherloc (09022015). Collection method: clinical testing. Allele origin: germline.
Comment: This sequence change replaces valine, which is neutral and non-polar, with alanine, which is neutral and non-polar, at codon 833 of the ITPR1 protein (p.Val833Ala). The frequency data for this variant in the population databases is considered unreliable, as metrics indicate poor data quality at this position in the gnomAD database. This variant has not been reported in the literature in individuals affected with ITPR1-related conditions. Advanced modeling of protein sequence and biophysical properties (such as structural, functional, and spatial information, amino acid conservation, physicochemical variation, residue mobility, and thermodynamic stability) has been performed at Invitae for this missense variant, however the output from this modeling did not meet the statistical confidence thresholds required to predict the impact of this variant on ITPR1 protein function. In summary, the available evidence is currently insufficient to determine the role of this variant in disease. Therefore, it has been classified as a Variant of Uncertain Significance.